The following is an entry in ClinVar:

NM_003482.4(KMT2D):c.6842C>T (p.Ser2281Phe)

Gene: KMT2D (lysine methyltransferase 2D; minus strand). Cytogenetic location: 12q13.12.
Variant type: single nucleotide variant.
Coding change: c.6842C>T on transcript NM_003482.4 (MANE Select); coding-DNA position 6842, C replaced by T.
Protein change: p.Ser2281Phe; replaces serine 2281 with phenylalanine.
Molecular consequence: missense variant.
Genome position (GRCh38, 1-based): chr12:49,040,928, G>A on the plus strand (C>T on the coding strand, the complement: KMT2D is on the minus strand). VCF-style: chr12-49040928-G-A. GRCh37 (hg19) VCF-style: chr12-49434711-G-A.
Other names: short protein forms S2281F.
Identifiers: ClinVar variation 2573652 (VCV002573652.1), dbSNP rs2498400457, ClinGen allele CA384749482.

ClinVar aggregate classification (germline): Uncertain significance (1 of 4 stars; one submission).

Submission:

GeneDx
Classification: Uncertain significance. Last evaluated: 2023-01-20. Review status: criteria provided, single submitter. Criteria: GeneDx Variant Classification Process June 2021. Collection method: clinical testing. Allele origin: germline. Affected: yes.
Comment: Not observed at significant frequency in large population cohorts (gnomAD); In silico analysis supports that this missense variant does not alter protein structure/function; Has not been previously published as pathogenic or benign to our knowledge